The following is an entry in ClinVar:

ClinVar aggregate classification (germline): Likely benign. Review status: criteria provided, multiple submitters, no conflicts (2 of 4 stars). 2 submissions from 2 submitters: Likely benign (2). Last evaluated 2025-11-03.

Conditions:
Epidermolysis bullosa simplex 3, localized or generalized intermediate, with BP230 deficiency (EBS3). Also called: Epidermolysis bullosa simplex due to BP230 deficiency; Epidermolysis bullosa simplex, autosomal recessive 2. Identifiers: Orphanet 412181, MedGen C3809470, MONDO:0014180, OMIM 615425.
Hereditary sensory and autonomic neuropathy type 6. Also called: Neuropathy, hereditary sensory and autonomic, type VI; HSAN VI. Identifiers: Orphanet 314381, MedGen C3539003, MONDO:0013839, OMIM 614653.
DST-related disorder. Also called: DST-related disorders; DST-related condition.

Allele frequency attached by ClinVar (database versions not stated): ExAC 0.00001; gnomAD 0.00002; gnomAD exomes 0.00002 and 0.00003; TOPMed 0.00002.
gnomAD v4.1: 43 of 1,612,530 alleles (0.0027%); highest among the groups gnomAD compares: Admixed American, 0.005%; no homozygotes.

Submissions (2):

Labcorp Genetics (formerly Invitae), Labcorp
Classification: Likely benign for Epidermolysis bullosa simplex 3, localized or generalized intermediate, with BP230 deficiency; Hereditary sensory and autonomic neuropathy type 6. Last evaluated: 2025-11-03. Review status: criteria provided, single submitter. Criteria: Invitae Variant Classification Sherloc (09022015). Collection method: clinical testing. Allele origin: germline.

PreventionGenetics, part of Exact Sciences
Classification: Likely benign for DST-related condition. Last evaluated: 2025-07-10. Review status: criteria provided, single submitter. Criteria: ACMG Guidelines, 2015. Collection method: clinical testing. Allele origin: germline.
Comment: This variant is classified as likely benign based on ACMG/AMP sequence variant interpretation guidelines (Richards et al. 2015 PMID: 25741868, with internal and published modifications).

NM_001374736.1(DST):c.4680C>T (p.Asp1560=)

Gene: DST (dystonin; minus strand). Cytogenetic location: 6p12.1.
Variant type: single nucleotide variant.
Coding change: c.4680C>T on transcript NM_001374736.1 (MANE Select); coding-DNA position 4680, C replaced by T.
Protein change: p.Asp1560=; no amino-acid change (aspartic acid 1560 retained).
Molecular consequence: synonymous variant.
Genome position (GRCh38, 1-based): chr6:56,627,246, G>A on the plus strand (C>T on the coding strand, the complement: DST is on the minus strand). VCF-style: chr6-56627246-G-A. GRCh37 (hg19) VCF-style: chr6-56492044-G-A.
Other names: c.4581C>T, p.Asp1527= (NM_001144769.5); c.4167C>T, p.Asp1389= (NM_001144770.2); c.4680C>T, p.Asp1560= (NM_001374722.1); c.4047C>T, p.Asp1349= (NM_001374729.1, NM_001374730.1, NM_001386100.1 and 1 more transcripts); c.4707C>T, p.Asp1569= (NM_001374734.1); c.3069C>T, p.Asp1023= (NM_001723.7, NM_015548.5).
Identifiers: ClinVar variation 709725 (VCV000709725.11), dbSNP rs746485081, ClinGen allele CA3870837.